The following is an entry in ClinVar:

ClinVar aggregate classification (germline): Benign. Review status: criteria provided, multiple submitters, no conflicts (2 of 4 stars). 12 submissions from 8 submitters: Benign (11). 1 of the submissions does not count toward it. Last evaluated 2026-02-04.

Conditions:
Epidermolysis bullosa simplex 5C, with pyloric atresia (EBS5C). Also called: PLEC-Related Epidermolysis Bullosa with Pyloric Atresia; Epidermolysis bullosa simplex with pyloric atresia; PLEC1-Related Epidermolysis Bullosa with Pyloric Atresia. Identifiers: Orphanet 158684, MedGen C2677349, MONDO:0012807, OMIM 612138.
Autosomal recessive limb-girdle muscular dystrophy type 2Q (LGMDR17). Also called: MUSCULAR DYSTROPHY, LIMB-GIRDLE, AUTOSOMAL RECESSIVE 17. Identifiers: Orphanet 254361, MedGen C3150989, MONDO:0013390, OMIM 613723.
Epidermolysis bullosa simplex with nail dystrophy (EBS5D). Identifiers: MedGen C4225309, MONDO:0014661, OMIM 616487.
Epidermolysis bullosa simplex 5B, with muscular dystrophy (EBS5B). Also called: Epidermolysis bullosa simplex with muscular dystrophy; EPIDERMOLYSIS BULLOSA SIMPLEX AND LIMB-GIRDLE MUSCULAR DYSTROPHY. Identifiers: Orphanet 257, MedGen C2931072, MONDO:0009181, OMIM 226670.
Epidermolysis bullosa simplex, Ogna type (EBS5A). Also called: Pidermolysis bullosa simplex 5A, Ogna type; EPIDERMOLYSIS BULLOSA SIMPLEX 5A, OGNA TYPE. Identifiers: Orphanet 79401, MedGen C0432317, MONDO:0007555, OMIM 131950.

Allele frequency attached by ClinVar (database versions not stated): 1000 Genomes Project 30x 0.23111; 1000 Genomes Project 0.23143; TOPMed 0.27522; ESP Exome Variant Server 0.28956; gnomAD 0.29153 and 0.29312; gnomAD exomes 0.33150 and 0.37525; ExAC 0.36687.

Submissions (12):

Labcorp Genetics (formerly Invitae), Labcorp
Classification: Benign for Autosomal recessive limb-girdle muscular dystrophy type 2Q; Epidermolysis bullosa simplex, Ogna type; Epidermolysis bullosa simplex with nail dystrophy; Epidermolysis bullosa simplex 5C, with pyloric atresia; Epidermolysis bullosa simplex 5B, with muscular dystrophy. Last evaluated: 2026-02-04. Review status: criteria provided, single submitter. Criteria: Invitae Variant Classification Sherloc (09022015). Collection method: clinical testing. Allele origin: germline.

Genome-Nilou Lab
Classification: Benign for Epidermolysis bullosa simplex with nail dystrophy. Last evaluated: 2021-10-25. Review status: criteria provided, single submitter. Criteria: ACMG Guidelines, 2015. Collection method: clinical testing. Allele origin: germline. Affected: no.

Genome-Nilou Lab
Classification: Benign for Epidermolysis bullosa simplex, Ogna type. Last evaluated: 2021-10-25. Review status: criteria provided, single submitter. Criteria: ACMG Guidelines, 2015. Collection method: clinical testing. Allele origin: germline. Affected: no.

Genome-Nilou Lab
Classification: Benign for Epidermolysis bullosa simplex 5B, with muscular dystrophy. Last evaluated: 2021-10-25. Review status: criteria provided, single submitter. Criteria: ACMG Guidelines, 2015. Collection method: clinical testing. Allele origin: germline. Affected: no.

Genome-Nilou Lab
Classification: Benign for Epidermolysis bullosa simplex 5C, with pyloric atresia. Last evaluated: 2021-10-25. Review status: criteria provided, single submitter. Criteria: ACMG Guidelines, 2015. Collection method: clinical testing. Allele origin: germline. Affected: no.

Genome-Nilou Lab
Classification: Benign for Autosomal recessive limb-girdle muscular dystrophy type 2Q. Last evaluated: 2021-10-25. Review status: criteria provided, single submitter. Criteria: ACMG Guidelines, 2015. Collection method: clinical testing. Allele origin: germline. Affected: no.

Mayo Clinic Laboratories, Mayo Clinic
Classification: Benign. Last evaluated: 2017-07-24. Review status: criteria provided, single submitter. Criteria: ACMG Guidelines, 2015. Collection method: clinical testing. Allele origin: germline. Observed: 759 variant alleles.

GeneDx
Classification: Benign. Last evaluated: 2015-03-03. Review status: criteria provided, single submitter. Criteria: GeneDx Variant Classification Process June 2021. Collection method: clinical testing. Allele origin: germline. Affected: yes.

Laboratory for Molecular Medicine, Mass General Brigham Personalized Medicine
Classification: Benign. Last evaluated: 2015-01-13. Review status: criteria provided, single submitter. Criteria: LMM Criteria. Collection method: clinical testing. Allele origin: germline. Observed: 7 variant alleles.
Comment: p.Ala641Val in exon 14 of PLEC: This variant is not expected to have clinical si gnificance because it has been identified in 37.9% (3151/8312) of European Ameri can chromosomes from a broad population by the NHLBI Exome Sequencing Project (dbSNP rs11136336).

Breakthrough Genomics
Classification: Benign. Review status: criteria provided, single submitter. Criteria: ACMG Guidelines, 2015. Collection method: not provided. Allele origin: germline. Inheritance: Autosomal recessive inheritance. Affected: yes.

PreventionGenetics, part of Exact Sciences
Classification: Benign. Review status: criteria provided, single submitter. Criteria: ACMG Guidelines, 2015. Collection method: clinical testing. Allele origin: germline.

Genetic Services Laboratory, University of Chicago
Classification: Likely benign for AllHighlyPenetrant. Review status: no assertion criteria provided. Collection method: clinical testing. Allele origin: germline. Inheritance: Autosomal recessive inheritance. Not counted in ClinVar's aggregate classification.
Comment: Likely benign based on allele frequency in 1000 Genomes Project or ESP global frequency and its presence in a patient with a rare or unrelated disease phenotype. NOT Sanger confirmed.

NM_201384.3(PLEC):c.1511C>T (p.Ala504Val)

Gene: PLEC (plectin; minus strand). Cytogenetic location: 8q24.3.
Variant type: single nucleotide variant.
Coding change: c.1511C>T on transcript NM_201384.3 (MANE Select); coding-DNA position 1511, C replaced by T.
Protein change: p.Ala504Val; replaces alanine 504 with valine.
Molecular consequence: missense variant.
Genome position (GRCh38, 1-based): chr8:143,933,019, G>A on the plus strand (C>T on the coding strand, the complement: PLEC is on the minus strand). VCF-style: chr8-143933019-G-A. GRCh37 (hg19) VCF-style: chr8-145007187-G-A.
Other names: p.Ala490Val; c.1592C>T, p.Ala531Val (NM_000445.5); c.1469C>T, p.Ala490Val (NM_201378.4); c.1445C>T, p.Ala482Val (NM_201379.3); c.1922C>T, p.Ala641Val (NM_201380.4); c.1415C>T, p.Ala472Val (NM_201381.3); c.1511C>T, p.Ala504Val (NM_201382.4); c.1523C>T, p.Ala508Val (NM_201383.3); short protein forms A472V, A482V, A490V, A504V, A508V, A531V, A641V.
Identifiers: ClinVar variation 129934 (VCV000129934.25), dbSNP rs11136336, ClinGen allele CA154445.